The following is an entry in ClinVar:

NM_020975.6(RET):c.1263+3G>A

Gene: RET (ret proto-oncogene; plus strand). Cytogenetic location: 10q11.21.
Variant type: single nucleotide variant.
Coding change: c.1263+3G>A on transcript NM_020975.6 (MANE Select); 3 bases into the intron after coding-DNA position 1263, G replaced by A.
Molecular consequence: intron variant.
Genome position (GRCh38, 1-based): chr10:43,109,233, G>A. VCF-style: chr10-43109233-G-A. GRCh37 (hg19) VCF-style: chr10-43604681-G-A.
Other names: c.1263+3G>A (NM_020630.7, NM_001406743.1, NM_001406744.1 and 4 more transcripts); c.868-1974G>A (NM_001406772.1, NM_001406769.1); c.825+3G>A (NM_001406773.1, NM_001406771.1); c.626-2866G>A (NM_001406782.1, NM_001406780.1, NM_001406779.1 and 3 more transcripts); c.1134+3G>A (NM_001406764.1, NM_001406762.1, NM_001406761.1 and 1 more transcripts); c.739-1974G>A (NM_001406774.1); c.497-2866G>A (NM_001406786.1, NM_001406783.1); c.975+3G>A (NM_001406770.1, NM_001406766.1, NM_001406767.1); and 5 more.
Identifiers: ClinVar variation 2454120 (VCV002454120.5), dbSNP rs1837860825, ClinGen allele CA1905810933.

ClinVar aggregate classification (germline): Uncertain significance. Review status: criteria provided, multiple submitters, no conflicts (2 of 4 stars). 2 submissions from 2 submitters: Uncertain significance (2). Last evaluated 2023-03-30.

Conditions:
Multiple endocrine neoplasia, type 2 (MEN2). Identifiers: Orphanet 653, MedGen C4048306, MONDO:0019003. Disease mechanism: gain of function.
Hereditary cancer-predisposing syndrome. Also called: Neoplastic Syndromes, Hereditary; Hereditary neoplastic syndrome; Tumor predisposition; Hereditary Cancer Syndrome. Identifiers: Orphanet 140162, MedGen C0027672, MeSH D009386, MONDO:0015356.

Allele frequency attached by ClinVar (database versions not stated): TOPMed below 0.00001.
gnomAD v4.1: 1 of 1,612,358 alleles (0.000062%); no homozygotes.

Submissions (2):

Labcorp Genetics (formerly Invitae), Labcorp
Classification: Uncertain significance for Multiple endocrine neoplasia, type 2. Last evaluated: 2023-03-30. Review status: criteria provided, single submitter. Criteria: Invitae Variant Classification Sherloc (09022015). Collection method: clinical testing. Allele origin: germline.
Comment: In summary, the available evidence is currently insufficient to determine the role of this variant in disease. Therefore, it has been classified as a Variant of Uncertain Significance. Variants that disrupt the consensus splice site are a relatively common cause of aberrant splicing (PMID: 17576681, 9536098). Algorithms developed to predict the effect of sequence changes on RNA splicing suggest that this variant is not likely to affect RNA splicing. This variant has not been reported in the literature in individuals affected with RET-related conditions. This variant is not present in population databases (gnomAD no frequency). This sequence change falls in intron 6 of the RET gene. It does not directly change the encoded amino acid sequence of the RET protein. It affects a nucleotide within the consensus splice site.

Ambry Genetics
Classification: Uncertain significance for Hereditary cancer-predisposing syndrome. Last evaluated: 2022-11-21. Review status: criteria provided, single submitter. Criteria: Ambry Variant Classification Scheme 2023. Collection method: clinical testing. Allele origin: germline.
Comment: The c.1263+3G>A intronic variant results from a G to A substitution 3 nucleotides after coding exon 6 in the RET gene. This nucleotide position is well conserved in available vertebrate species. In silico splice site analysis predicts that this alteration will not have any significant effect on splicing. Since supporting evidence is limited at this time, the clinical significance of this alteration remains unclear.

Literature cited by the submitters: PubMed 17576681 (cited by Labcorp Genetics (formerly Invitae), Labcorp); PubMed 9536098 (cited by Labcorp Genetics (formerly Invitae), Labcorp).